The following is an entry in ClinVar:

NM_000038.6(APC):c.761C>T (p.Ser254Leu)

Gene: APC (APC regulator of Wnt signaling pathway; plus strand). Cytogenetic location: 5q22.2.
Variant type: single nucleotide variant.
Coding change: c.761C>T on transcript NM_000038.6 (MANE Select); coding-DNA position 761, C replaced by T.
Protein change: p.Ser254Leu; replaces serine 254 with leucine.
Molecular consequence: missense variant. On other transcripts: 5 prime UTR variant (1).
Genome position (GRCh38, 1-based): chr5:112,801,310, C>T. VCF-style: chr5-112801310-C-T. GRCh37 (hg19) VCF-style: chr5-112137007-C-T.
Other names: c.761C>T, p.Ser254Leu (NM_001127510.3, NM_001354895.2, NM_001354896.2 and 1 more transcripts); c.707C>T, p.Ser236Leu (NM_001127511.3); c.791C>T, p.Ser264Leu (NM_001354897.2, NM_001354902.2); c.686C>T, p.Ser229Leu (NM_001354898.2, NM_001354904.2); c.677C>T, p.Ser226Leu (NM_001354899.2); c.584C>T, p.Ser195Leu (NM_001354900.2, NM_001354901.2, NM_001354905.2); c.-275C>T (NM_001354906.2); short protein forms S254L, S236L, S226L, S229L, S195L, S264L.
Identifiers: ClinVar variation 470100 (VCV000470100.15), dbSNP rs1060503334, ClinGen allele CA16022998.
Genomic context (GRCh38, chr5:112,801,310, plus strand): 5'-ATGTACTGATGTTAACTCCATCTTAACAGAGGTCATCTCAGAACAAGCATGAAACCGGCT[C>T]ACATGATGCTGAGCGGCAGAATGAAGGTCAAGGAGTGGGAGAAATCAACATGGCAACTTC-3'
Protein context (NP_000029.2, residues 244-264): RSSQNKHETG[Ser254Leu]HDAERQNEGQ

ClinVar aggregate classification (germline): Uncertain significance. Review status: criteria provided, multiple submitters, no conflicts (2 of 4 stars). 4 submissions from 4 submitters: Uncertain significance (4). Last evaluated 2023-11-14.

Conditions:
Familial adenomatous polyposis 1 (FAP1). Also called: POLYPOSIS, ADENOMATOUS INTESTINAL; FAMILIAL ADENOMATOUS POLYPOSIS 1, ATTENUATED. Identifiers: MedGen C2713442, MONDO:0021056, OMIM 175100. Disease mechanism: loss of function.
Hereditary cancer-predisposing syndrome. Also called: Hereditary neoplastic syndrome; Neoplastic Syndromes, Hereditary; Tumor predisposition; Hereditary Cancer Syndrome. Identifiers: Orphanet 140162, MedGen C0027672, MeSH D009386, MONDO:0015356.

gnomAD v4.1: 1 of 1,613,056 alleles (0.000062%); highest among the groups gnomAD compares: Non-Finnish European, 0.000085%; no homozygotes.

Submissions (4):

Ambry Genetics
Classification: Uncertain significance for Hereditary cancer-predisposing syndrome. Last evaluated: 2023-11-14. Review status: criteria provided, single submitter. Criteria: Ambry Variant Classification Scheme 2023. Collection method: clinical testing. Allele origin: germline.
Comment: The p.S254L variant (also known as c.761C>T), located in coding exon 7 of the APC gene, results from a C to T substitution at nucleotide position 761. The serine at codon 254 is replaced by leucine, an amino acid with dissimilar properties. This amino acid position is well conserved in available vertebrate species. In addition, in silico predictors for this gene do not accurately predict pathogenicity. Since supporting evidence is limited at this time, the clinical significance of this alteration remains unclear.

Color Diagnostics, LLC DBA Color Health
Classification: Uncertain significance for Hereditary cancer-predisposing syndrome. Last evaluated: 2022-08-15. Review status: criteria provided, single submitter. Criteria: ACMG Guidelines, 2015. Collection method: clinical testing. Allele origin: germline.
Comment: This missense variant replaces serine with leucine at codon 254 of the APC protein. Computational prediction suggests that this variant may not impact protein structure and function (internally defined REVEL score threshold <= 0.5, PMID: 27666373). To our knowledge, functional studies have not been reported for this variant. This variant has not been reported in individuals affected with hereditary cancer in the literature. This variant has not been identified in the general population by the Genome Aggregation Database (gnomAD). The available evidence is insufficient to determine the role of this variant in disease conclusively. Therefore, this variant is classified as a Variant of Uncertain Significance.

Labcorp Genetics (formerly Invitae), Labcorp
Classification: Uncertain significance for Familial adenomatous polyposis 1. Last evaluated: 2022-05-21. Review status: criteria provided, single submitter. Criteria: Invitae Variant Classification Sherloc (09022015). Collection method: clinical testing. Allele origin: germline.
Comment: This sequence change replaces serine, which is neutral and polar, with leucine, which is neutral and non-polar, at codon 254 of the APC protein (p.Ser254Leu). This variant is not present in population databases (gnomAD no frequency). This variant has not been reported in the literature in individuals affected with APC-related conditions. ClinVar contains an entry for this variant (Variation ID: 470100). Algorithms developed to predict the effect of missense changes on protein structure and function output the following: SIFT: "Deleterious"; PolyPhen-2: "Benign"; Align-GVGD: "Class C0". The leucine amino acid residue is found in multiple mammalian species, which suggests that this missense change does not adversely affect protein function. In summary, the available evidence is currently insufficient to determine the role of this variant in disease. Therefore, it has been classified as a Variant of Uncertain Significance.

GeneDx
Classification: Uncertain significance. Last evaluated: 2020-02-03. Review status: criteria provided, single submitter. Criteria: GeneDx Variant Classification Process June 2021. Collection method: clinical testing. Allele origin: germline. Affected: yes.
Comment: Not observed in large population cohorts (Lek 2016); In silico analysis supports that this missense variant does not alter protein structure/function; Has not been previously published as pathogenic or benign to our knowledge